The following is an entry in ClinVar:

NM_001042492.3(NF1):c.2509T>A (p.Trp837Arg)

Gene: NF1 (neurofibromin 1; plus strand). Cytogenetic location: 17q11.2.
Variant type: single nucleotide variant.
Coding change: c.2509T>A on transcript NM_001042492.3 (MANE Select); coding-DNA position 2509, T replaced by A.
Protein change: p.Trp837Arg; replaces tryptophan 837 with arginine.
Molecular consequence: missense variant.
Genome position (GRCh38, 1-based): chr17:31,229,124, T>A. VCF-style: chr17-31229124-T-A. GRCh37 (hg19) VCF-style: chr17-29556142-T-A.
Other names: c.2509T>A, p.Trp837Arg (NM_000267.4); short protein forms W837R.
Identifiers: ClinVar variation 141439 (VCV000141439.3), dbSNP rs587781747, ClinGen allele CA165409.
Genomic context (GRCh38, chr17:31,229,124, plus strand): 5'-ATGTCCCATGTGAGTGGAGGAGGATCCATAGATTTGTCTGACACAGACTCCCTACAGGAA[T>A]GGATCAACATGACTGGCTTCCTTTGTGCCCTTGGGGGAGTGTGCCTCCAGCAGAGAAGCA-3'
Protein context (NP_001035957.1, residues 827-847): DLSDTDSLQE[Trp837Arg]INMTGFLCAL

ClinVar aggregate classification (germline): Likely pathogenic (1 of 4 stars; one submission).

Conditions:
Hereditary cancer-predisposing syndrome. Also called: Neoplastic Syndromes, Hereditary; Tumor predisposition; Hereditary Cancer Syndrome; Hereditary neoplastic syndrome. Identifiers: Orphanet 140162, MedGen C0027672, MeSH D009386, MONDO:0015356.

Submission:

Ambry Genetics
Classification: Likely pathogenic for Hereditary cancer-predisposing syndrome. Last evaluated: 2014-01-16. Review status: criteria provided, single submitter. Criteria: Ambry Autosomal Dominant and X-Linked criteria (10/2015). Collection method: clinical testing. Allele origin: germline. Observed: 1 variant allele.
Comment: The p.W837Rpathogenic mutation (also known as c.2509T>A), located in coding exon 21 of the NF1 gene, results from a T to A substitution at nucleotide position 2509. The tryptophan at codon 837 is replaced by arginine, an amino acid with dissimilar properties. This variant has been reported in a patient meeting clinical criteria for NF1, with features including plexiform neurofibroma, 6 or more cafe au lait spots, bilateral axillary freckling, and a gastrointestinal stromal tumor (GIST) (Alkindy A et al. Hum. Genomics 2012; 6:12). Another alteration at the same codon (p.W837G) has also been reported in a patient with clinical NF1 (Sabbagh A et al. Hum. Mutat. 2013; 34:1510-8).The p.W837R variant was not reported in population based cohorts in the following databases: Database of Single Nucleotide Polymorphisms (dbSNP), NHLBI Exome Sequencing Project (ESP), and 1000 Genomes Project. This amino acid position is completely conserved on sequence alignment. In addition, this alteration is predicted to be deleterious by in silico analysis.<span style="background-color: initial;">Based on the available evidence, p.W837R is classified as a pathogenic mutation.

Literature cited by the submitters: PubMed 23244495; PubMed 23913538.